The following is an entry in ClinVar:

NM_007294.4(BRCA1):c.5130A>T (p.Gly1710=)

Gene: BRCA1 (BRCA1 DNA repair associated; minus strand). Cytogenetic location: 17q21.31.
Variant type: single nucleotide variant.
Coding change: c.5130A>T on transcript NM_007294.4 (MANE Select); coding-DNA position 5130, A replaced by T.
Protein change: p.Gly1710=; no amino-acid change (glycine 1710 retained).
Molecular consequence: synonymous variant. On other transcripts: intron variant (2).
Genome position (GRCh38, 1-based): chr17:43,063,896, T>A on the plus strand (A>T on the coding strand, the complement: BRCA1 is on the minus strand). VCF-style: chr17-43063896-T-A. GRCh37 (hg19) VCF-style: chr17-41215913-T-A.
Other names: c.4917A>T, p.Gly1639= (NM_001407571.1, NM_001407894.1, NM_001407895.1 and 12 more transcripts); c.5196A>T, p.Gly1732= (NM_001407581.1, NM_001407582.1); c.5193A>T, p.Gly1731= (NM_001407583.1, NM_001407585.1, NM_001407587.1 and 1 more transcripts); c.5190A>T, p.Gly1730= (NM_001407590.1, NM_001407591.1); c.5130A>T, p.Gly1710= (NM_001407593.1, NM_001407594.1, NM_001407596.1 and 7 more transcripts); c.5127A>T, p.Gly1709= (NM_001407610.1, NM_001407611.1, NM_001407612.1 and 17 more transcripts); c.5124A>T, p.Gly1708= (NM_001407627.1, NM_001407628.1, NM_001407629.1 and 14 more transcripts); c.5121A>T, p.Gly1707= (NM_001407644.1, NM_001407645.1); and 73 more.
Identifiers: ClinVar variation 869071 (VCV000869071.8), dbSNP rs2051914890, ClinGen allele CA500146162.

ClinVar aggregate classification (germline): Likely benign (1 of 4 stars; one submission).

Conditions:
Hereditary breast ovarian cancer syndrome. Also called: Hereditary breast and ovarian cancer; Hereditary breast and ovarian cancer syndrome (HBOC); Breast and ovarian cancer; Hereditary breast and/or ovarian cancer syndrome; BRCA1- and BRCA2-Associated Hereditary Breast and Ovarian Cancer; Hereditary breast and ovarian cancer syndrome. Identifiers: Orphanet 145, MedGen C0677776, MeSH D061325, MONDO:0003582. Disease mechanism: loss of function.

Submissions (2):

Labcorp Genetics (formerly Invitae), Labcorp
Classification: Likely benign for Hereditary breast ovarian cancer syndrome. Last evaluated: 2025-05-05. Review status: criteria provided, single submitter. Criteria: Invitae Variant Classification Sherloc (09022015). Collection method: clinical testing. Allele origin: germline.

Brotman Baty Institute, University of Washington
No classification provided (evidence only). Condition: Breast-ovarian cancer, familial 1. Review status: no classification provided. Collection method: in vitro. Allele origin: not applicable. Functional consequence: functionally_normal. Not counted in ClinVar's aggregate classification.
ClinVar note: "not provided" was previously submitted as the classification for the variant. However, the classification appeared to be based only on an observation of functional data so it was converted to no classification on 2025-07-30.